The following is an entry in ClinVar:

NM_001370466.1(NOD2):c.198G>A (p.Trp66Ter)

Gene: NOD2 (nucleotide binding oligomerization domain containing 2; plus strand). Cytogenetic location: 16q12.1.
Variant type: single nucleotide variant.
Coding change: c.198G>A on transcript NM_001370466.1 (MANE Select); coding-DNA position 198, G replaced by A.
Protein change: p.Trp66Ter; replaces tryptophan 66 with a stop codon.
Molecular consequence: nonsense. On other transcripts: non-coding transcript variant (1).
Genome position (GRCh38, 1-based): chr16:50,699,693, G>A. VCF-style: chr16-50699693-G-A. GRCh37 (hg19) VCF-style: chr16-50733604-G-A.
Other names: c.198G>A, p.Trp66Ter (NM_001293557.2); c.279G>A, p.Trp93Ter (NM_022162.3); c.279G>A (LRG_177t1); short protein forms W93*, W66*.
Identifiers: ClinVar variation 631747 (VCV000631747.8), dbSNP rs761449474, ClinGen allele CA8051241.
Genomic context (GRCh38, chr16:50,699,693, plus strand): 5'-CTTCCACCTCCTGGGCCAGCCTCTCTCCCACTTGGCCAGGCGCCTTCTGGACACCGTCTG[G>A]AATAAGGGTACTTGGGCCTGTCAGAAGCTCATCGCGGCTGCCCAAGAAGCCCAGGCCGAC-3'

ClinVar aggregate classification (germline): Uncertain significance (1 of 4 stars; one submission).

Conditions:
Blau syndrome (BLAUS). Also called: GRANULOMATOSIS, FAMILIAL JUVENILE SYSTEMIC; GRANULOMATOSIS, FAMILIAL, BLAU TYPE; GRANULOMATOUS INFLAMMATORY ARTHRITIS, DERMATITIS, AND UVEITIS, FAMILIAL; JABS SYNDROME; ARTHROCUTANEOUVEAL GRANULOMATOSIS. Identifiers: Orphanet 90340, MedGen C5201146, MONDO:0008523, OMIM 186580.
Regional enteritis. Also called: Enteritis, Granulomatous. Identifiers: MedGen C0678202, MeSH D003424.

Allele frequency attached by ClinVar (database versions not stated): TOPMed below 0.00001; ExAC 0.00001; gnomAD 0.00001; gnomAD exomes 0.00001 and 0.00002.
gnomAD v4.1: 27 of 1,614,164 alleles (0.0017%); highest among the groups gnomAD compares: Admixed American, 0.005%; no homozygotes.

Submission:

Labcorp Genetics (formerly Invitae), Labcorp
Classification: Uncertain significance for Regional enteritis; Blau syndrome. Last evaluated: 2024-05-04. Review status: criteria provided, single submitter. Criteria: Invitae Variant Classification Sherloc (09022015). Collection method: clinical testing. Allele origin: germline.
Comment: This sequence change creates a premature translational stop signal (p.Trp93*) in the NOD2 gene. It is expected to result in an absent or disrupted protein product. However, the current clinical and genetic evidence is not sufficient to establish whether loss-of-function variants in NOD2 cause disease. This variant is present in population databases (rs761449474, gnomAD 0.003%). This variant has not been reported in the literature in individuals affected with NOD2-related conditions. ClinVar contains an entry for this variant (Variation ID: 631747). In summary, the available evidence is currently insufficient to determine the role of this variant in disease. Therefore, it has been classified as a Variant of Uncertain Significance.